The following is an entry in ClinVar:

ClinVar aggregate classification (germline): Conflicting classifications of pathogenicity. Review status: criteria provided, conflicting classifications (1 of 4 stars). 6 submissions from 6 submitters: Uncertain significance (5); Likely benign (1). Last evaluated 2025-12-17.

Conditions:
Ehlers-Danlos syndrome, type 4 (EDSVASC). Also called: Ehlers-Danlos Syndrome Type IV; Ehlers-Danlos syndrome vascular type; Ehlers Danlos syndrome, ecchymotic type; Ehlers Danlos syndrome, arterial type; Ehlers Danlos syndrome, Sack-Barabas type. Identifiers: Orphanet 286, MedGen C0268338, MONDO:0017314, OMIM 130050.
Polymicrogyria with or without vascular-type Ehlers-Danlos syndrome. Identifiers: Orphanet 636941, MedGen C5193040, MONDO:0032688, OMIM 618343.
Familial thoracic aortic aneurysm and aortic dissection (TAAD). Also called: Thoracic aortic aneurysms and dissections. Identifiers: Orphanet 91387, MedGen C4707243, MONDO:0019625.

Allele frequency attached by ClinVar (database versions not stated): gnomAD 0.00001; TOPMed 0.00002; gnomAD exomes 0.00003; ExAC 0.00005.
gnomAD v4.1: 52 of 1,613,026 alleles (0.0032%); highest among the groups gnomAD compares: Middle Eastern, 0.016%; no homozygotes.

Submissions (6):

Labcorp Genetics (formerly Invitae), Labcorp
Classification: Uncertain significance for Ehlers-Danlos syndrome, type 4. Last evaluated: 2025-12-17. Review status: criteria provided, single submitter. Criteria: Invitae Variant Classification Sherloc (09022015). Collection method: clinical testing. Allele origin: germline.
Comment: This sequence change replaces valine, which is neutral and non-polar, with isoleucine, which is neutral and non-polar, at codon 60 of the COL3A1 protein (p.Val60Ile). This variant is present in population databases (rs762028131, gnomAD 0.006%). This variant has not been reported in the literature in individuals affected with COL3A1-related conditions. ClinVar contains an entry for this variant (Variation ID: 404291). Invitae Evidence Modeling of protein sequence and biophysical properties (such as structural, functional, and spatial information, amino acid conservation, physicochemical variation, residue mobility, and thermodynamic stability) indicates that this missense variant is not expected to disrupt COL3A1 protein function with a negative predictive value of 95%. In summary, the available evidence is currently insufficient to determine the role of this variant in disease. Therefore, it has been classified as a Variant of Uncertain Significance.

All of Us Research Program, National Institutes of Health
Classification: Uncertain significance for Ehlers-Danlos syndrome, type 4. Last evaluated: 2024-06-11. Review status: criteria provided, single submitter. Criteria: ACMG Guidelines, 2015. Collection method: clinical testing. Allele origin: germline. Inheritance: Autosomal dominant inheritance. Observed: 12 variant alleles, 12 heterozygotes.
Comment: This missense variant replaces valine with isoleucine at codon 60 of the COL3A1 protein. Computational prediction suggests that this variant may not impact protein structure and function (internally defined REVEL score threshold <= 0.5, PMID: 27666373). To our knowledge, functional studies have not been reported for this variant. This variant has not been reported in individuals affected with COL3A1-related disorders in the literature. This variant has been identified in 7/250824 chromosomes in the general population by the Genome Aggregation Database (gnomAD). The available evidence is insufficient to determine the role of this variant in disease conclusively. Therefore, this variant is classified as a Variant of Uncertain Significance.

This study involves interpretation of variants in research participants for the purpose of population health screening. Participant phenotype was not available at the time of variant classification. Additional details can be found in publication PMID: 35346344, PMCID: PMC8962531

Color Diagnostics, LLC DBA Color Health
Classification: Uncertain significance for Familial thoracic aortic aneurysm and aortic dissection. Last evaluated: 2024-04-10. Review status: criteria provided, single submitter. Criteria: ACMG Guidelines, 2015. Collection method: clinical testing. Allele origin: germline.
Comment: This missense variant replaces valine with isoleucine at codon 60 of the COL3A1 protein. Computational prediction tools indicate that this variant has a neutral impact on protein structure and function. To our knowledge, functional studies have not been reported for this variant. This variant has not been reported in individuals affected with COL3A1-related disorders in the literature. This variant has been identified in 7/250824 chromosomes in the general population by the Genome Aggregation Database (gnomAD). The available evidence is insufficient to determine the role of this variant in disease conclusively. Therefore, this variant is classified as a Variant of Uncertain Significance.

Blueprint Genetics
Classification: Likely benign. Last evaluated: 2022-08-22. Review status: criteria provided, single submitter. Criteria: ACMG Guidelines, 2015. Collection method: clinical testing. Allele origin: germline.

GeneDx
Classification: Uncertain significance. Last evaluated: 2020-06-17. Review status: criteria provided, single submitter. Criteria: GeneDx Variant Classification Process June 2021. Collection method: clinical testing. Allele origin: germline. Affected: yes.
Comment: Has not been previously published as pathogenic or benign to our knowledge; In silico analysis, which includes protein predictors and evolutionary conservation, supports that this variant does not alter protein structure/function; Not located in the triple helical region, where the majority of pathogenic missense variants occur (Stenson et al., 2014); Reported in ClinVar as a variant of uncertain significance (ClinVar Variant ID# 404291; Landrum et al., 2016)

Women's Health and Genetics/Laboratory Corporation of America, LabCorp
Classification: Uncertain significance. Last evaluated: 2018-06-20. Review status: criteria provided, single submitter. Criteria: LabCorp Variant Classification Summary - May 2015. Collection method: clinical testing. Allele origin: germline.
Comment: Variant summary: COL3A1 c.178G>A (p.Val60Ile) results in a conservative amino acid change located in the vWFC domain of the encoded protein sequence. Four of five in-silico tools predict a benign effect of the variant on protein function. The variant allele was found at a frequency of 3.3e-05 in 245564 control chromosomes. The available data on variant occurrences in the general population are insufficient to allow any conclusion about variant significance. To our knowledge, no occurrence of c.178G>A in individuals affected with Aortopathy and no experimental evidence demonstrating its impact on protein function have been reported. Two clinical diagnostic laboratories have submitted clinical-significance assessments for this variant to ClinVar after 2014, and both of them classified the variant as uncertain significance. Based on the evidence outlined above, the variant was classified as uncertain significance.

NM_000090.4(COL3A1):c.178G>A (p.Val60Ile)

Gene: COL3A1 (collagen type III alpha 1 chain; plus strand). Cytogenetic location: 2q32.2.
Variant type: single nucleotide variant.
Coding change: c.178G>A on transcript NM_000090.4 (MANE Select); coding-DNA position 178, G replaced by A.
Protein change: p.Val60Ile; replaces valine 60 with isoleucine.
Molecular consequence: missense variant.
Genome position (GRCh38, 1-based): chr2:188,984,858, G>A. VCF-style: chr2-188984858-G-A. GRCh37 (hg19) VCF-style: chr2-189849584-G-A.
Other names: short protein forms V60I.
Identifiers: ClinVar variation 404291 (VCV000404291.18), dbSNP rs762028131, ClinGen allele CA074644.